The following is an entry in ClinVar:

NM_198586.3(NHLRC1):c.642A>T (p.Gln214His)

Gene: NHLRC1 (NHL repeat containing E3 ubiquitin protein ligase 1; minus strand). Cytogenetic location: 6p22.3.
Variant type: single nucleotide variant.
Coding change: c.642A>T on transcript NM_198586.3 (MANE Select); coding-DNA position 642, A replaced by T.
Protein change: p.Gln214His; replaces glutamine 214 with histidine.
Molecular consequence: missense variant.
Genome position (GRCh38, 1-based): chr6:18,121,965, T>A on the plus strand (A>T on the coding strand, the complement: NHLRC1 is on the minus strand). VCF-style: chr6-18121965-T-A. GRCh37 (hg19) VCF-style: chr6-18122196-T-A.
Other names: c.642A>T (NM_198586.2); short protein forms Q214H.
Identifiers: ClinVar variation 1017908 (VCV001017908.6), dbSNP rs754756237, ClinGen allele CA3649966.

ClinVar aggregate classification (germline): Uncertain significance. Review status: criteria provided, multiple submitters, no conflicts (2 of 4 stars). 2 submissions from 2 submitters: Uncertain significance (2). Last evaluated 2023-12-11.

Conditions:
Inborn genetic diseases. Identifiers: MedGen C0950123, MeSH D030342.
Lafora disease. Also called: Epilepsy progressive myoclonic 2. Identifiers: Orphanet 501, MedGen C0751783, MONDO:0009697.

Allele frequency attached by ClinVar (database versions not stated): TOPMed 0.00001.

Submissions (2):

Ambry Genetics
Classification: Uncertain significance for Inborn genetic diseases. Last evaluated: 2023-12-11. Review status: criteria provided, single submitter. Criteria: Ambry Variant Classification Scheme 2023. Collection method: clinical testing. Allele origin: germline.

Labcorp Genetics (formerly Invitae), Labcorp
Classification: Uncertain significance for Lafora disease. Last evaluated: 2022-10-13. Review status: criteria provided, single submitter. Criteria: Invitae Variant Classification Sherloc (09022015). Collection method: clinical testing. Allele origin: germline.
Comment: This sequence change replaces glutamine, which is neutral and polar, with histidine, which is basic and polar, at codon 214 of the NHLRC1 protein (p.Gln214His). This variant is present in population databases (rs754756237, gnomAD 0.05%). This variant has not been reported in the literature in individuals affected with NHLRC1-related conditions. ClinVar contains an entry for this variant (Variation ID: 1017908). Advanced modeling of protein sequence and biophysical properties (such as structural, functional, and spatial information, amino acid conservation, physicochemical variation, residue mobility, and thermodynamic stability) performed at Invitae indicates that this missense variant is not expected to disrupt NHLRC1 protein function. In summary, the available evidence is currently insufficient to determine the role of this variant in disease. Therefore, it has been classified as a Variant of Uncertain Significance.